The following is an entry in ClinVar:

NM_144498.4(OSBPL2):c.715G>A (p.Val239Ile)

Gene: OSBPL2 (oxysterol binding protein like 2; plus strand). Cytogenetic location: 20q13.33.
Variant type: single nucleotide variant.
Coding change: c.715G>A on transcript NM_144498.4 (MANE Select); coding-DNA position 715, G replaced by A.
Protein change: p.Val239Ile; replaces valine 239 with isoleucine.
Molecular consequence: missense variant.
Genome position (GRCh38, 1-based): chr20:62,281,098, G>A. VCF-style: chr20-62281098-G-A. GRCh37 (hg19) VCF-style: chr20-60856154-G-A.
Other names: c.715G>A (NM_144498.1); c.439G>A, p.Val147Ile (NM_001278649.3, NM_001363878.2); c.679G>A, p.Val227Ile (NM_014835.5); short protein forms V147I, V227I, V239I.
Identifiers: ClinVar variation 1205006 (VCV001205006.23), dbSNP rs200531495, ClinGen allele CA9938544.
Genomic context (GRCh38, chr20:62,281,098, plus strand): 5'-GTTTTCTGGTGTCTTCACAGACATAATGAAGCCTACACCTGGACCAACCCCACCTGCTGC[G>A]TCCACAACGTCATCATCGGGAAGCTGTGGATAGAGCAGTATGGGACAGTGGAGATTTTAA-3'
Protein context (NP_653081.1, residues 229-249): AYTWTNPTCC[Val239Ile]HNVIIGKLWI

ClinVar aggregate classification (germline): Conflicting classifications of pathogenicity. Review status: criteria provided, conflicting classifications (1 of 4 stars). 7 submissions from 7 submitters: Uncertain significance (2); Likely benign (4). 1 of the submissions does not count toward it. Last evaluated 2026-03-09.

Conditions:
OSBPL2-related disorder. Also called: OSBPL2-related condition.
Inborn genetic diseases. Identifiers: MedGen C0950123, MeSH D030342.

Allele frequency attached by ClinVar (database versions not stated): ESP Exome Variant Server 0.00015; TOPMed 0.00027; gnomAD 0.00038 and 0.00041; gnomAD exomes 0.00044 and 0.00055; ExAC 0.00061.
gnomAD v4.1: 856 of 1,614,068 alleles (0.053%); highest among the groups gnomAD compares: Non-Finnish European, 0.067%; no homozygotes.

Submissions (7):

Women's Health and Genetics/Laboratory Corporation of America, LabCorp
Classification: Uncertain significance. Last evaluated: 2026-03-09. Review status: criteria provided, single submitter. Criteria: LabCorp Variant Classification Summary - May 2015. Collection method: clinical testing. Allele origin: germline.
Comment: Variant summary: OSBPL2 c.715G>A (p.Val239Ile) results in a conservative amino acid change in the encoded protein sequence. Algorithms developed to predict the effect of missense changes on protein structure and function are either unavailable or do not agree on the potential impact of this missense change. The variant allele was found at a frequency of 0.00044 in 251456 control chromosomes. This frequency is not significantly higher than estimated for disease-causing variants in OSBPL2, allowing no conclusion about variant significance. To our knowledge, no occurrence of c.715G>A in individuals affected with OSBPL2-related conditions and no experimental evidence demonstrating its impact on protein function have been reported. ClinVar contains an entry for this variant (Variation ID: 1205006). Based on the evidence outlined above, the variant was classified as uncertain significance.

CeGaT Center for Human Genetics Tuebingen
Classification: Likely benign. Last evaluated: 2025-09-01. Review status: criteria provided, single submitter. Criteria: CeGaT Center For Human Genetics Tuebingen Variant Classification Criteria Version 2. Collection method: clinical testing. Allele origin: germline. Affected: yes. Observed: 1 variant allele.
Comment: OSBPL2: BS2

Labcorp Genetics (formerly Invitae), Labcorp
Classification: Likely benign. Last evaluated: 2025-07-22. Review status: criteria provided, single submitter. Criteria: Invitae Variant Classification Sherloc (09022015). Collection method: clinical testing. Allele origin: germline.

Blueprint Genetics
Classification: Likely benign. Last evaluated: 2024-10-24. Review status: criteria provided, single submitter. Criteria: ACMG Guidelines, 2015. Collection method: clinical testing. Allele origin: germline.

Ambry Genetics
Classification: Uncertain significance for Inborn genetic diseases. Last evaluated: 2024-04-20. Review status: criteria provided, single submitter. Criteria: Ambry Variant Classification Scheme 2023. Collection method: clinical testing. Allele origin: germline.

GeneDx
Classification: Likely benign. Last evaluated: 2020-05-15. Review status: criteria provided, single submitter. Criteria: GeneDx Variant Classification Process June 2021. Collection method: clinical testing. Allele origin: germline. Affected: yes.

PreventionGenetics, part of Exact Sciences
Classification: Likely benign for OSBPL2-related condition. Last evaluated: 2024-05-19. Review status: no assertion criteria provided. Collection method: clinical testing. Allele origin: germline. Not counted in ClinVar's aggregate classification.
Comment: This variant is classified as likely benign based on ACMG/AMP sequence variant interpretation guidelines (Richards et al. 2015 PMID: 25741868, with internal and published modifications).